The following is an entry in ClinVar:

ClinVar aggregate classification (germline): Uncertain significance. Review status: criteria provided, multiple submitters, no conflicts (2 of 4 stars). 2 submissions from 2 submitters: Uncertain significance (2). Last evaluated 2026-08-04.

Conditions:
Early-infantile DEE. Also called: Early infantile epileptic encephalopathy with suppression bursts; Early infantile epileptic encephalopathy; Ohtahara syndrome. Identifiers: Orphanet 1934, MedGen C0393706, MONDO:0800491.
HCN1-related disorder. Also called: HCN1-related condition; HCN1-related disorders.

Allele frequency attached by ClinVar (database versions not stated): gnomAD exomes below 0.00001; gnomAD 0.00001; TOPMed 0.00003.
gnomAD v4.1: 3 of 1,613,682 alleles (0.00019%); highest among the groups gnomAD compares: African/African-American, 0.004%; no homozygotes.

Submissions (2):

PreventionGenetics, part of Exact Sciences
Classification: Uncertain significance for HCN1-related condition. Last evaluated: 2026-08-04. Review status: criteria provided, single submitter. Criteria: ACMG Guidelines, 2015. Collection method: clinical testing. Allele origin: germline.
Comment: The HCN1 c.2419A>G variant is predicted to result in the amino acid substitution p.Thr807Ala. To our knowledge, this variant has not been reported in the literature. This variant is reported in 0.0040% of alleles in individuals of African descent in gnomAD. At this time, the clinical significance of this variant is uncertain due to the absence of conclusive functional and genetic evidence.

Labcorp Genetics (formerly Invitae), Labcorp
Classification: Uncertain significance for Early-infantile DEE. Last evaluated: 2025-12-24. Review status: criteria provided, single submitter. Criteria: Invitae Variant Classification Sherloc (09022015). Collection method: clinical testing. Allele origin: germline.
Comment: This sequence change replaces threonine, which is neutral and polar, with alanine, which is neutral and non-polar, at codon 807 of the HCN1 protein (p.Thr807Ala). This variant is present in population databases (no rsID available, gnomAD 0.004%). This variant has not been reported in the literature in individuals affected with HCN1-related conditions. ClinVar contains an entry for this variant (Variation ID: 1057468). Invitae Evidence Modeling of protein sequence and biophysical properties (such as structural, functional, and spatial information, amino acid conservation, physicochemical variation, residue mobility, and thermodynamic stability) indicates that this missense variant is not expected to disrupt HCN1 protein function with a negative predictive value of 95%. In summary, the available evidence is currently insufficient to determine the role of this variant in disease. Therefore, it has been classified as a Variant of Uncertain Significance.

NM_021072.4(HCN1):c.2419A>G (p.Thr807Ala)

Gene: HCN1 (hyperpolarization activated cyclic nucleotide gated potassium channel 1; minus strand). Cytogenetic location: 5p12.
Variant type: single nucleotide variant.
Coding change: c.2419A>G on transcript NM_021072.4 (MANE Select); coding-DNA position 2419, A replaced by G.
Protein change: p.Thr807Ala; replaces threonine 807 with alanine.
Molecular consequence: missense variant.
Genome position (GRCh38, 1-based): chr5:45,262,175, T>C on the plus strand (A>G on the coding strand, the complement: HCN1 is on the minus strand). VCF-style: chr5-45262175-T-C. GRCh37 (hg19) VCF-style: chr5-45262277-T-C.
Other names: c.2419A>G (NM_021072.3); short protein forms T807A.
Identifiers: ClinVar variation 1057468 (VCV001057468.11), dbSNP rs1035068089, ClinGen allele CA118278355.